The following is an entry in ClinVar:

NM_016120.4(RLIM):c.736A>G (p.Ile246Val)

Gene: RLIM (ring finger protein, LIM domain interacting; minus strand). Cytogenetic location: Xq13.2.
Variant type: single nucleotide variant.
Coding change: c.736A>G on transcript NM_016120.4 (MANE Select); coding-DNA position 736, A replaced by G.
Protein change: p.Ile246Val; replaces isoleucine 246 with valine.
Molecular consequence: missense variant.
Genome position (GRCh38, 1-based): chrX:74,592,579, T>C on the plus strand (A>G on the coding strand, the complement: RLIM is on the minus strand). VCF-style: chrX-74592579-T-C. GRCh37 (hg19) VCF-style: chrX-73812414-T-C.
Other names: c.736A>G, p.Ile246Val (NM_183353.3); c.736A>G (NM_183353.2); short protein forms I246V.
Identifiers: ClinVar variation 1030534 (VCV001030534.2), dbSNP rs2079620974, ClinGen allele CA413661702.

ClinVar aggregate classification (germline): Uncertain significance. Review status: criteria provided, multiple submitters, no conflicts (2 of 4 stars). 2 submissions from 2 submitters: Uncertain significance (2). Last evaluated 2023-12-11.

Conditions:
Intellectual disability, X-linked 61 (TOKAS). Also called: TONNE-KALSCHEUER SYNDROME. Identifiers: MedGen C4283894, MONDO:0010506, OMIM 300978.
Inborn genetic diseases. Identifiers: MedGen C0950123, MeSH D030342.

Submissions (2):

Ambry Genetics
Classification: Uncertain significance for Inborn genetic diseases. Last evaluated: 2023-12-11. Review status: criteria provided, single submitter. Criteria: Ambry Variant Classification Scheme 2023. Collection method: clinical testing. Allele origin: germline.

Baylor Genetics
Classification: Uncertain significance for Intellectual disability, X-linked 61. Last evaluated: 2019-11-26. Review status: criteria provided, single submitter. Criteria: ACMG Guidelines, 2015. Collection method: clinical testing. Allele origin: unknown. Affected: yes.
Comment: This variant was determined to be of uncertain significance according to ACMG Guidelines, 2015 [PMID:25741868].